The following is an entry in ClinVar:

ClinVar aggregate classification (germline): Uncertain significance (1 of 4 stars; one submission).

Submission:

Dasa
Classification: Uncertain significance. Last evaluated: 2025-01-28. Review status: criteria provided, single submitter. Criteria: DASA Assertion Criteria. Collection method: clinical testing. Allele origin: germline.
Comment: NM_004667.6(HERC2):c.10436T>A (p.Val3479Glu) is a missense variant that results in the substitution of valine with glutamic acid. This variant is absent from population databases. Computational prediction algorithms are consistent with a benign effect. The currently available literature and clinical evidence are not sufficient to establish a definitive association between this variant and the reported condition. Therefore, this variant is classified as a variant of uncertain significance.

NM_004667.6(HERC2):c.10436T>A (p.Val3479Glu)

Gene: HERC2 (HECT and RLD domain containing E3 ubiquitin protein ligase 2; minus strand). Cytogenetic location: 15q13.1.
Variant type: single nucleotide variant.
Coding change: c.10436T>A on transcript NM_004667.6 (MANE Select); coding-DNA position 10436, T replaced by A.
Protein change: p.Val3479Glu; replaces valine 3479 with glutamic acid.
Molecular consequence: missense variant.
Genome position (GRCh38, 1-based): chr15:28,167,805, A>T on the plus strand (T>A on the coding strand, the complement: HERC2 is on the minus strand). VCF-style: chr15-28167805-A-T. GRCh37 (hg19) VCF-style: chr15-28412951-A-T.
Other names: short protein forms V3479E.
Identifiers: ClinVar variation 4883112 (VCV004883112.2).